The following is an entry in ClinVar:

NM_000081.4(LYST):c.4621T>A (p.Ser1541Thr)

Gene: LYST (lysosomal trafficking regulator; minus strand). Cytogenetic location: 1q42.3.
Variant type: single nucleotide variant.
Coding change: c.4621T>A on transcript NM_000081.4 (MANE Select); coding-DNA position 4621, T replaced by A.
Protein change: p.Ser1541Thr; replaces serine 1541 with threonine.
Molecular consequence: missense variant.
Genome position (GRCh38, 1-based): chr1:235,788,768, A>T on the plus strand (T>A on the coding strand, the complement: LYST is on the minus strand). VCF-style: chr1-235788768-A-T. GRCh37 (hg19) VCF-style: chr1-235952068-A-T.
Other names: c.4621T>A (NM_000081.2); c.4621T>A, p.Ser1541Thr (NM_001301365.1); short protein forms S1541T.
Identifiers: ClinVar variation 1906184 (VCV001906184.7), dbSNP rs777283571, ClinGen allele CA1466792.

ClinVar aggregate classification (germline): Uncertain significance. Review status: criteria provided, multiple submitters, no conflicts (2 of 4 stars). 3 submissions from 3 submitters: Uncertain significance (3). Last evaluated 2026-08-05.

Conditions:
Chédiak-Higashi syndrome (CHS). Also called: Chediak-Higashi Syndrome. Identifiers: Orphanet 167, MedGen C0007965, MONDO:0008963, OMIM 214500.
Inborn genetic diseases. Identifiers: MedGen C0950123, MeSH D030342.

Allele frequency attached by ClinVar (database versions not stated): TOPMed below 0.00001; ExAC 0.00001.
gnomAD v4.1: 10 of 1,613,500 alleles (0.00062%); highest among the groups gnomAD compares: Admixed American, 0.0017%; no homozygotes.

Submissions (3):

Ambry Genetics
Classification: Uncertain significance for Inborn genetic diseases. Last evaluated: 2026-08-05. Review status: criteria provided, single submitter. Criteria: Ambry Variant Classification Scheme 2023. Collection method: clinical testing. Allele origin: germline.
Comment: The c.4621T>A (p.S1541T) alteration is located in exon 13 (coding exon 11) of the LYST gene. This alteration results from a T to A substitution at nucleotide position 4621, causing the serine (S) at amino acid position 1541 to be replaced by a threonine (T). Based on data from gnomAD, the A allele has an overall frequency of 0.001% (3/250710) total alleles studied. The highest observed frequency was 0.003% (1/34544) of Latino alleles. Based on insufficient or conflicting evidence, the clinical significance of this alteration remains unclear.

Women's Health and Genetics/Laboratory Corporation of America, LabCorp
Classification: Uncertain significance. Last evaluated: 2026-03-25. Review status: criteria provided, single submitter. Criteria: LabCorp Variant Classification Summary - May 2015. Collection method: clinical testing. Allele origin: germline.
Comment: Variant summary: LYST c.4621T>A (p.Ser1541Thr) results in a conservative amino acid change in the encoded protein sequence. Algorithms developed to predict the effect of missense changes on protein structure and function are either unavailable or do not agree on the potential impact of this missense change. The variant allele was found at a frequency of 1.2e-05 in 250710 control chromosomes. The available data on variant occurrences in the general population are insufficient to allow any conclusion about variant significance. To our knowledge, no occurrence of c.4621T>A in individuals affected with LYST-related conditions and no experimental evidence demonstrating its impact on protein function have been reported. ClinVar contains an entry for this variant (Variation ID: 1906184). Based on the evidence outlined above, the variant was classified as uncertain significance.

Labcorp Genetics (formerly Invitae), Labcorp
Classification: Uncertain significance for Chédiak-Higashi syndrome. Last evaluated: 2024-09-23. Review status: criteria provided, single submitter. Criteria: Invitae Variant Classification Sherloc (09022015). Collection method: clinical testing. Allele origin: germline.
Comment: This sequence change replaces serine, which is neutral and polar, with threonine, which is neutral and polar, at codon 1541 of the LYST protein (p.Ser1541Thr). This variant is present in population databases (rs777283571, gnomAD 0.003%). This variant has not been reported in the literature in individuals affected with LYST-related conditions. ClinVar contains an entry for this variant (Variation ID: 1906184). Invitae Evidence Modeling of protein sequence and biophysical properties (such as structural, functional, and spatial information, amino acid conservation, physicochemical variation, residue mobility, and thermodynamic stability) has been performed for this missense variant. However, the output from this modeling did not meet the statistical confidence thresholds required to predict the impact of this variant on LYST protein function. In summary, the available evidence is currently insufficient to determine the role of this variant in disease. Therefore, it has been classified as a Variant of Uncertain Significance.